The following is an entry in ClinVar:

ClinVar aggregate classification (germline): Conflicting classifications of pathogenicity. Review status: criteria provided, conflicting classifications (1 of 4 stars). 2 submissions from 2 submitters: Uncertain significance (1); Likely benign (1). Last evaluated 2025-05-27.

Conditions:
Hereditary cancer-predisposing syndrome. Also called: Hereditary neoplastic syndrome; Tumor predisposition; Neoplastic Syndromes, Hereditary; Hereditary Cancer Syndrome. Identifiers: Orphanet 140162, MedGen C0027672, MeSH D009386, MONDO:0015356.

Allele frequency attached by ClinVar (database versions not stated): TOPMed below 0.00001; ExAC 0.00001; gnomAD exomes below 0.00001.
gnomAD v4.1: 2 of 1,597,786 alleles (0.00013%); highest among the groups gnomAD compares: Non-Finnish European, 0.00017%; no homozygotes.

Submissions (2):

Labcorp Genetics (formerly Invitae), Labcorp
Classification: Uncertain significance. Last evaluated: 2025-05-27. Review status: criteria provided, single submitter. Criteria: Invitae Variant Classification Sherloc (09022015). Collection method: clinical testing. Allele origin: germline.
Comment: This sequence change replaces methionine, which is neutral and non-polar, with valine, which is neutral and non-polar, at codon 518 of the MSH3 protein (p.Met518Val). This variant is present in population databases (rs767492134, gnomAD 0.006%). This variant has not been reported in the literature in individuals affected with MSH3-related conditions. ClinVar contains an entry for this variant (Variation ID: 655981). An algorithm developed to predict the effect of missense changes on protein structure and function outputs the following: PolyPhen-2: "Benign". The valine amino acid residue is found in multiple mammalian species, which suggests that this missense change does not adversely affect protein function. In summary, the available evidence is currently insufficient to determine the role of this variant in disease. Therefore, it has been classified as a Variant of Uncertain Significance.

Ambry Genetics
Classification: Likely benign for Hereditary cancer-predisposing syndrome. Last evaluated: 2023-12-07. Review status: criteria provided, single submitter. Criteria: Ambry Variant Classification Scheme 2023. Collection method: clinical testing. Allele origin: germline.

NM_002439.5(MSH3):c.1552A>G (p.Met518Val)

Gene: MSH3 (mutS homolog 3; plus strand). Cytogenetic location: 5q14.1.
Variant type: single nucleotide variant.
Coding change: c.1552A>G on transcript NM_002439.5 (MANE Select); coding-DNA position 1552, A replaced by G.
Protein change: p.Met518Val; replaces methionine 518 with valine.
Molecular consequence: missense variant.
Genome position (GRCh38, 1-based): chr5:80,728,949, A>G. VCF-style: chr5-80728949-A-G. GRCh37 (hg19) VCF-style: chr5-80024768-A-G.
Other names: c.1552A>G (NM_002439.3); short protein forms M518V.
Identifiers: ClinVar variation 655981 (VCV000655981.9), dbSNP rs767492134, ClinGen allele CA3327951.